The following is an entry in ClinVar:

ClinVar aggregate classification (germline): Likely pathogenic (1 of 4 stars; one submission).

Conditions:
Supravalvar aortic stenosis (SVAS). Also called: Supravalvar aortic stenosis, Eisenberg type. Identifiers: Orphanet 3193, MedGen C0003499, MONDO:0008504, OMIM 185500, HP:0004381.

Submission:

Victorian Clinical Genetics Services, Murdoch Childrens Research Institute
Classification: Likely pathogenic for Supravalvar aortic stenosis. Last evaluated: 2022-02-02. Review status: criteria provided, single submitter. Criteria: ACMG Guidelines, 2015. Collection method: clinical testing. Allele origin: germline. Inheritance: Autosomal dominant inheritance.
Comment: Based on the classification scheme VCGS_Germline_v1.3.4, this variant is classified as Likely Pathogenic. Following criteria are met: 0102 - Loss of function is a known mechanism of disease in this gene and is associated with supravalvar aortic stenosis (MIM#185500). Dominant negative is a suggested mechanism of disease and is associated with cutis laxa (MIM#123700) (PMID: 29501665). (I) 0107 - This gene is associated with autosomal dominant disease. (I) 0112 - The condition associated with this gene has incomplete penetrance (PMIDs: 19844261, 10942104, 31577255, 30228022). (I) 0115 - Variants in this gene are known to have variable expressivity. Parent carriers have been reported with a milder presentation (PMIDs: 10942104, 31577255). (I) 0201 - Variant is predicted to cause nonsense-mediated decay (NMD) and loss of protein (premature termination codon is located at least 54 nucleotides upstream of the final exon-exon junction). (SP) 0251 - This variant is heterozygous. (I) 0301 - Variant is absent from gnomAD (both v2 and v3). (SP) 0701 - Other NMD-predicted variants comparable to the one identified in this case have very strong previous evidence for pathogenicity. These variants have been reported many times as pathogenic and observed in individuals with supravalvar aortic stenosis (PMIDs: 30228022, 29501665, DECIPHER). (SP) 0807 - This variant has no previous evidence of pathogenicity. (I) 0905 - No published segregation evidence has been identified for this variant. (I) 1007 - No published functional evidence has been identified for this variant. (I) Legend: (SP) - Supporting pathogenic, (I) - Information, (SB) - Supporting benign

Literature cited by the submitters: PubMed 10942104; PubMed 19844261; PubMed 29501665; PubMed 30228022; PubMed 31577255.

NM_000501.4(ELN):c.1069_1091del (p.Ala357fs)

Gene: ELN (elastin; plus strand). Cytogenetic location: 7q11.23.
Variant type: Deletion.
Coding change: c.1069_1091del on transcript NM_000501.4 (MANE Select); coding-DNA positions 1069 to 1091, 23 bases deleted (GCTGGGATCCCAGGTGCTGCGGT).
Protein change: p.Ala357fs; shifts the reading frame from alanine 357.
Molecular consequence: frameshift variant.
Genome position (GRCh38, 1-based): chr7:74,053,282-74,053,304, GCTGGGATCCCAGGTGCTGCGGT deleted; deleting any 23 consecutive bases within chr7:74,053,279-74,053,304 gives the same sequence; the c. name uses the placement nearest the transcript's 3' end. VCF-style (leftmost placement, unchanged base first): chr7-74053278-AGGTGCTGGGATCCCAGGTGCTGC-A. GRCh37 (hg19) VCF-style: chr7-73467608-AGGTGCTGGGATCCCAGGTGCTGC-A.
Other names: c.1039_1061del, p.Ala347fs (NM_001081752.3, NM_001278917.2); c.1084_1106del, p.Ala362fs (NM_001081753.3, NM_001081754.3); c.1069_1091del, p.Ala357fs (NM_001081755.3, NM_001278912.2, NM_001278915.2 and 1 more transcripts); c.961_983del, p.Ala321fs (NM_001278913.2); c.1054_1076del, p.Ala352fs (NM_001278914.2); c.1027_1049del, p.Ala343fs (NM_001278916.2); c.937_959del, p.Ala313fs (NM_001278918.2); short protein forms A313fs, A321fs, A343fs, A347fs, A352fs, A357fs, A362fs.
Identifiers: ClinVar variation 1805174 (VCV001805174.1), dbSNP rs2485893388, ClinGen allele CA2573050714.